The following is an entry in ClinVar:

NM_002858.4(ABCD3):c.155G>T (p.Gly52Val)

Gene: ABCD3 (ATP binding cassette subfamily D member 3; plus strand). Cytogenetic location: 1p21.3.
Variant type: single nucleotide variant.
Coding change: c.155G>T on transcript NM_002858.4 (MANE Select); coding-DNA position 155, G replaced by T.
Protein change: p.Gly52Val; replaces glycine 52 with valine.
Molecular consequence: missense variant.
Genome position (GRCh38, 1-based): chr1:94,464,782, G>T. VCF-style: chr1-94464782-G-T. GRCh37 (hg19) VCF-style: chr1-94930338-G-T.
Other names: c.155G>T, p.Gly52Val (NM_001122674.2); short protein forms G52V.
Identifiers: ClinVar variation 718421 (VCV000718421.19), dbSNP rs142075958, ClinGen allele CA960052.

ClinVar aggregate classification (germline): Benign. Review status: criteria provided, multiple submitters, no conflicts (2 of 4 stars). 3 submissions from 3 submitters: Benign (3). Last evaluated 2026-01-27.

Conditions:
Congenital bile acid synthesis defect 5. Identifiers: MedGen C4225390, MONDO:0014564, OMIM 616278.

Allele frequency attached by ClinVar (database versions not stated): 1000 Genomes Project 30x 0.00109; 1000 Genomes Project 0.00140; TOPMed 0.00205; ESP Exome Variant Server 0.00269; gnomAD exomes 0.00439 and 0.00556; ExAC 0.00503; gnomAD 0.00506 and 0.00530.
gnomAD v4.1: 7,075 of 1,613,052 alleles (0.44%); highest among the groups gnomAD compares: Non-Finnish European, 0.38%; 56 homozygotes.

Submissions (7):

Labcorp Genetics (formerly Invitae), Labcorp
Classification: Benign. Last evaluated: 2026-01-27. Review status: criteria provided, single submitter. Criteria: Invitae Variant Classification Sherloc (09022015). Collection method: clinical testing. Allele origin: germline.

CeGaT Center for Human Genetics Tuebingen
Classification: Benign. Last evaluated: 2025-10-01. Review status: criteria provided, single submitter. Criteria: CeGaT Center For Human Genetics Tuebingen Variant Classification Criteria Version 2. Collection method: clinical testing. Allele origin: germline. Affected: yes. Observed: 1 variant allele.
Comment: ABCD3: BS1, BS2

ARUP Laboratories, Molecular Genetics and Genomics, ARUP Laboratories
Classification: Benign for Congenital bile acid synthesis defect 5. Last evaluated: 2023-11-03. Review status: criteria provided, single submitter. Criteria: ARUP Molecular Germline Variant Investigation Process 2024. Collection method: clinical testing. Allele origin: germline.

Dr. Peter K. Rogan Lab, Western University
No classification provided (evidence only). Condition: Familial cancer of breast. Review status: no classification provided. Collection method: in vitro. Allele origin: not applicable. Functional consequence: retained intron. Not counted in ClinVar's aggregate classification.

Dr. Peter K. Rogan Lab, Western University
No classification provided (evidence only). Condition: Familial cancer of breast. Review status: no classification provided. Collection method: in vitro. Allele origin: not applicable. Functional consequence: retained intron. Not counted in ClinVar's aggregate classification.

Dr. Peter K. Rogan Lab, Western University
No classification provided (evidence only). Condition: Thyroid cancer, nonmedullary, 1. Review status: no classification provided. Collection method: in vitro. Allele origin: not applicable. Functional consequence: retained intron. Not counted in ClinVar's aggregate classification.

Dr. Peter K. Rogan Lab, Western University
No classification provided (evidence only). Condition: Cervical cancer. Review status: no classification provided. Collection method: in vitro. Allele origin: not applicable. Functional consequence: retained intron. Not counted in ClinVar's aggregate classification.